The following is an entry in ClinVar:

ClinVar aggregate classification (germline): Uncertain significance (1 of 4 stars; one submission).

Conditions:
Peutz-Jeghers syndrome (PJS). Also called: Peutz-Jeghers polyposis; Periorificial lentiginosis syndrome; POLYPOSIS, HAMARTOMATOUS INTESTINAL; POLYPS-AND-SPOTS SYNDROME. Identifiers: Orphanet 2869, MedGen C0031269, MeSH D010580, MONDO:0008280, OMIM 175200.

Allele frequency attached by ClinVar (database versions not stated): gnomAD exomes below 0.00001; TOPMed below 0.00001.
gnomAD v4.1: 2 of 1,613,236 alleles (0.00012%); highest among the groups gnomAD compares: Admixed American, 0.0017%; no homozygotes.

Submission:

Labcorp Genetics (formerly Invitae), Labcorp
Classification: Uncertain significance for Peutz-Jeghers syndrome. Last evaluated: 2019-04-18. Review status: criteria provided, single submitter. Criteria: Invitae Variant Classification Sherloc (09022015). Collection method: clinical testing. Allele origin: germline.
Comment: This variant has not been reported in the literature in individuals with STK11-related disease. This sequence change replaces arginine with histidine at codon 28 of the STK11 protein (p.Arg28His). The arginine residue is highly conserved and there is a small physicochemical difference between arginine and histidine. This variant is not present in population databases (ExAC no frequency). Algorithms developed to predict the effect of missense changes on protein structure and function are either unavailable or do not agree on the potential impact of this missense change (SIFT: "Deleterious"; PolyPhen-2: "Benign"; Align-GVGD: "Class C0"). In summary, the available evidence is currently insufficient to determine the role of this variant in disease. Therefore, it has been classified as a Variant of Uncertain Significance.

NM_000455.5(STK11):c.83G>A (p.Arg28His)

Gene: STK11 (serine/threonine kinase 11; plus strand). Cytogenetic location: 19p13.3.
Variant type: single nucleotide variant.
Coding change: c.83G>A on transcript NM_000455.5 (MANE Select); coding-DNA position 83, G replaced by A.
Protein change: p.Arg28His; replaces arginine 28 with histidine.
Molecular consequence: missense variant.
Genome position (GRCh38, 1-based): chr19:1,206,996, G>A. VCF-style: chr19-1206996-G-A. GRCh37 (hg19) VCF-style: chr19-1206995-G-A.
Other names: short protein forms R28H.
Identifiers: ClinVar variation 639612 (VCV000639612.10), dbSNP rs1331020864, ClinGen allele CA089442.